The following is an entry in ClinVar:

ClinVar aggregate classification (germline): Uncertain significance (1 of 4 stars; one submission).

Conditions:
Polyglucosan body myopathy type 2. Identifiers: Orphanet 456369, MedGen C4015452, MONDO:0014526, OMIM 616199.
Glycogen storage disease XV (GSD15). Also called: GLYCOGENIN DEFICIENCY; GSD XV. Identifiers: Orphanet 263297, MedGen C3150754, MONDO:0013291, OMIM 613507.

Allele frequency attached by ClinVar (database versions not stated): ExAC 0.00005; gnomAD 0.00006; gnomAD exomes 0.00006 and 0.00007; TOPMed 0.00006.
gnomAD v4.1: 99 of 1,613,868 alleles (0.0061%); highest among the groups gnomAD compares: Middle Eastern, 0.082%; 1 homozygote.

Submission:

Labcorp Genetics (formerly Invitae), Labcorp
Classification: Uncertain significance for Polyglucosan body myopathy type 2; Glycogen storage disease XV. Last evaluated: 2022-07-02. Review status: criteria provided, single submitter. Criteria: Invitae Variant Classification Sherloc (09022015). Collection method: clinical testing. Allele origin: germline.
Comment: This sequence change replaces threonine, which is neutral and polar, with isoleucine, which is neutral and non-polar, at codon 228 of the GYG1 protein (p.Thr228Ile). This variant is present in population databases (rs201672568, gnomAD 0.01%). This variant has not been reported in the literature in individuals affected with GYG1-related conditions. ClinVar contains an entry for this variant (Variation ID: 1426589). Algorithms developed to predict the effect of missense changes on protein structure and function are either unavailable or do not agree on the potential impact of this missense change (SIFT: "Tolerated"; PolyPhen-2: "Possibly Damaging"; Align-GVGD: "Class C0"). In summary, the available evidence is currently insufficient to determine the role of this variant in disease. Therefore, it has been classified as a Variant of Uncertain Significance.

NM_004130.4(GYG1):c.683C>T (p.Thr228Ile)

Gene: GYG1 (glycogenin 1; plus strand). Cytogenetic location: 3q24.
Variant type: single nucleotide variant.
Coding change: c.683C>T on transcript NM_004130.4 (MANE Select); coding-DNA position 683, C replaced by T.
Protein change: p.Thr228Ile; replaces threonine 228 with isoleucine.
Molecular consequence: missense variant. On other transcripts: intron variant (1).
Genome position (GRCh38, 1-based): chr3:149,024,127, C>T. VCF-style: chr3-149024127-C-T. GRCh37 (hg19) VCF-style: chr3-148741914-C-T.
Other names: c.683C>T, p.Thr228Ile (NM_001184720.2); c.609-2633C>T (NM_001184721.2); short protein forms T228I.
Identifiers: ClinVar variation 1426589 (VCV001426589.3), dbSNP rs201672568, ClinGen allele CA2658637.